The following is an entry in ClinVar:

ClinVar aggregate classification (germline): Uncertain significance. Review status: criteria provided, multiple submitters, no conflicts (2 of 4 stars). 3 submissions from 3 submitters: Uncertain significance (2). 1 of the submissions does not count toward it. Last evaluated 2024-04-30.

Conditions:
Autosomal recessive cutis laxa type 2B (ARCL2B). Also called: CUTIS LAXA, AUTOSOMAL RECESSIVE, TYPE IIB; CUTIS LAXA WITH PROGEROID FEATURES. Identifiers: Orphanet 357064, MedGen C2751987, MONDO:0013051, OMIM 612940. Disease mechanism: loss of function.

Allele frequency attached by ClinVar (database versions not stated): TOPMed 0.00006; ExAC 0.00001; gnomAD exomes 0.00001; gnomAD 0.00005.
gnomAD v4.1: 29 of 1,613,914 alleles (0.0018%); highest among the groups gnomAD compares: Middle Eastern, 0.033%; no homozygotes.

Submissions (3):

GeneDx
Classification: Uncertain significance. Last evaluated: 2024-04-30. Review status: criteria provided, single submitter. Criteria: GeneDx Variant Classification Process June 2021. Collection method: clinical testing. Allele origin: germline. Affected: yes.
Comment: In silico analysis indicates that this missense variant does not alter protein structure/function; This variant is associated with the following publications: (PMID: 28454995)

Women's Health and Genetics/Laboratory Corporation of America, LabCorp
Classification: Uncertain significance. Last evaluated: 2023-07-21. Review status: criteria provided, single submitter. Criteria: LabCorp Variant Classification Summary - May 2015. Collection method: clinical testing. Allele origin: germline.
Comment: Variant summary: PYCR1 c.866A>G (p.Lys289Arg) results in a conservative amino acid change in the encoded protein sequence. Four of five in-silico tools predict a benign effect of the variant on protein function. The variant allele was found at a frequency of 8e-06 in 250368 control chromosomes (gnomAD v2.1 Exomes dataset). The available data on variant occurrences in the general population are insufficient to allow any conclusion about variant significance. c.866A>G has been reported in the literature in at least one homozygous individual affected with Cutis Laxa (e.g., Alfares_2017). These data indicate that the variant may be associated with disease. At least one publication reports experimental evidence evaluating an impact on protein function, finding that the variant results in increased enzymatic activity relative to wild type, however, it is unclear how this variant effect may contribute to Cutis Laxa disease (e.g., Chen_2019). The following publications have been ascertained in the context of this evaluation (PMID: 28454995, 31108370). One submitter has cited clinical-significance assessments for this variant to ClinVar after 2014 and has classified the variant as likely pathogenic. Based on the evidence outlined above, the variant was classified as VUS-possibly pathogenic.

Biochemical Molecular Genetic Laboratory, King Abdulaziz Medical City
Classification: Likely pathogenic for Autosomal recessive cutis laxa type 2B. Last evaluated: 2019-09-26. Review status: no assertion criteria provided. Collection method: clinical testing. Allele origin: germline. Affected: yes. Not counted in ClinVar's aggregate classification.

Literature cited by the submitters: PubMed 28454995 (cited by Women's Health and Genetics/Laboratory Corporation of America, LabCorp); PubMed 31108370 (cited by Women's Health and Genetics/Laboratory Corporation of America, LabCorp).

NM_006907.4(PYCR1):c.866A>G (p.Lys289Arg)

Gene: PYCR1 (pyrroline-5-carboxylate reductase 1; minus strand). Cytogenetic location: 17q25.3.
Variant type: single nucleotide variant.
Coding change: c.866A>G on transcript NM_006907.4 (MANE Select); coding-DNA position 866, A replaced by G.
Protein change: p.Lys289Arg; replaces lysine 289 with arginine.
Molecular consequence: missense variant. On other transcripts: 3 prime UTR variant (1).
Genome position (GRCh38, 1-based): chr17:81,933,308, T>C on the plus strand (A>G on the coding strand, the complement: PYCR1 is on the minus strand). VCF-style: chr17-81933308-T-C. GRCh37 (hg19) VCF-style: chr17-79891184-T-C.
Other names: c.773A>G, p.Lys258Arg (NM_001282279.2); c.866A>G, p.Lys289Arg (NM_001282280.2, NM_153824.3); c.947A>G, p.Lys316Arg (NM_001282281.2); c.*48A>G (NM_001330523.2); c.866A>G (NM_006907.3, NM_006907.2); short protein forms K289R, K316R, K258R.
Identifiers: ClinVar variation 800973 (VCV000800973.3), dbSNP rs34575645, ClinGen allele CA8845247.